The following is an entry in ClinVar:

ClinVar aggregate classification (germline): Benign/Likely benign. Review status: criteria provided, multiple submitters, no conflicts (2 of 4 stars). 2 submissions from 2 submitters: Benign (1); Likely benign (1). Last evaluated 2024-10-11.

Allele frequency attached by ClinVar (database versions not stated): TOPMed 0.00002; gnomAD 0.00003; ExAC 0.00006; gnomAD exomes 0.00007.
gnomAD v4.1: 104 of 1,612,706 alleles (0.0064%); highest among the groups gnomAD compares: South Asian, 0.05%; 2 homozygotes.

Submissions (2):

Labcorp Genetics (formerly Invitae), Labcorp
Classification: Benign. Last evaluated: 2024-10-11. Review status: criteria provided, single submitter. Criteria: Invitae Variant Classification Sherloc (09022015). Collection method: clinical testing. Allele origin: germline.

CeGaT Center for Human Genetics Tuebingen
Classification: Likely benign. Last evaluated: 2023-04-01. Review status: criteria provided, single submitter. Criteria: CeGaT Center For Human Genetics Tuebingen Variant Classification Criteria Version 2. Collection method: clinical testing. Allele origin: germline. Affected: yes. Observed: 1 variant allele.
Comment: USP7: BP4, BP7

NM_003470.3(USP7):c.591G>A (p.Ala197=)

Gene: USP7 (ubiquitin specific peptidase 7; minus strand). Cytogenetic location: 16p13.2.
Variant type: single nucleotide variant.
Coding change: c.591G>A on transcript NM_003470.3 (MANE Select); coding-DNA position 591, G replaced by A.
Protein change: p.Ala197=; no amino-acid change (alanine 197 retained).
Molecular consequence: synonymous variant. On other transcripts: non-coding transcript variant (1).
Genome position (GRCh38, 1-based): chr16:8,920,379, C>T on the plus strand (G>A on the coding strand, the complement: USP7 is on the minus strand). VCF-style: chr16-8920379-C-T. GRCh37 (hg19) VCF-style: chr16-9014236-C-T.
Other names: c.543G>A, p.Ala181= (NM_001286457.2); c.294G>A, p.Ala98= (NM_001286458.2); c.417G>A, p.Ala139= (NM_001321858.2).
Identifiers: ClinVar variation 2646188 (VCV002646188.26), dbSNP rs753389669, ClinGen allele CA7895674.